The following is an entry in ClinVar:

ClinVar aggregate classification (germline): Uncertain significance (1 of 4 stars; one submission).

Conditions:
Cardiovascular phenotype. Identifiers: MedGen CN230736.

gnomAD v4.1: 135 of 1,591,586 alleles (0.0085%); highest among the groups gnomAD compares: South Asian, 0.15%; no homozygotes.

Submission:

Molecular Diagnostic Laboratory for Inherited Cardiovascular Disease, Montreal Heart Institute
Classification: Uncertain significance for Cardiovascular phenotype. Last evaluated: 2025-04-09. Review status: criteria provided, single submitter. Criteria: ACMG Guidelines, 2015. Collection method: clinical testing. Allele origin: germline. Affected: yes.
Comment: PM2, BP4

NM_032588.4(TRIM63):c.175T>C (p.Trp59Arg)

Gene: TRIM63 (tripartite motif containing 63; minus strand). Cytogenetic location: 1p36.11.
Variant type: single nucleotide variant.
Coding change: c.175T>C on transcript NM_032588.4 (MANE Select); coding-DNA position 175, T replaced by C.
Protein change: p.Trp59Arg; replaces tryptophan 59 with arginine.
Molecular consequence: missense variant.
Genome position (GRCh38, 1-based): chr1:26,066,425, A>G on the plus strand (T>C on the coding strand, the complement: TRIM63 is on the minus strand). VCF-style: chr1-26066425-A-G. GRCh37 (hg19) VCF-style: chr1-26392916-A-G.
Other names: short protein forms W59R.
Identifiers: ClinVar variation 3895209 (VCV003895209.1), dbSNP rs561602133.